The following is an entry in ClinVar:

NM_001165963.4(SCN1A):c.2589+208A>G

Gene: SCN1A (sodium voltage-gated channel alpha subunit 1; minus strand). Cytogenetic location: 2q24.3.
Variant type: single nucleotide variant.
Coding change: c.2589+208A>G on transcript NM_001165963.4 (MANE Select); 208 bases into the intron after coding-DNA position 2589, A replaced by G.
Molecular consequence: intron variant.
Genome position (GRCh38, 1-based): chr2:166,039,215, T>C on the plus strand (A>G on the coding strand, the complement: SCN1A is on the minus strand). VCF-style: chr2-166039215-T-C. GRCh37 (hg19) VCF-style: chr2-166895725-T-C.
Other names: c.2553+208A>G (NM_001353955.2, NM_001353954.2); c.2505+208A>G (NM_001353957.2, NM_001165964.3, NM_001353958.2); c.2556+208A>G (NM_001353951.2, NM_001353952.2, NM_001353949.2 and 2 more transcripts); c.2589+208A>G (NM_001353948.2, NM_001202435.3); c.2502+208A>G (NM_001353960.2); c.147+208A>G (NM_001353961.2).
Identifiers: ClinVar variation 669303 (VCV000669303.1), dbSNP rs1019724, ClinGen allele CA11166028.

ClinVar aggregate classification (germline): Benign (1 of 4 stars; one submission).

Allele frequency attached by ClinVar (database versions not stated): TOPMed 0.74056; gnomAD 0.74828; 1000 Genomes Project 30x 0.78795; 1000 Genomes Project 0.78934.
gnomAD v4.1: 112,209 of 152,120 alleles (74%); highest among the groups gnomAD compares: East Asian, 89%; 41,785 homozygotes.

Submission:

GeneDx
Classification: Benign. Last evaluated: 2018-06-14. Review status: criteria provided, single submitter. Criteria: GeneDx Variant Classification (06012015). Collection method: clinical testing. Allele origin: germline. Affected: yes.
Comment: This variant is considered likely benign or benign based on one or more of the following criteria: it is a conservative change, it occurs at a poorly conserved position in the protein, it is predicted to be benign by multiple in silico algorithms, and/or has population frequency not consistent with disease.